The following is an entry in ClinVar:

NM_007294.4(BRCA1):c.5194-2379TGT[16]

Gene: BRCA1 (BRCA1 DNA repair associated; minus strand). Cytogenetic location: 17q21.31.
Variant type: Microsatellite.
Coding change: c.5194-2379TGT[16] on transcript NM_007294.4 (MANE Select); 16 copies in a row of the 3-base unit TGT starting at c.5194-2379; the reference has 15 copies in a row; one copy, 3 bases duplicated.
Molecular consequence: intron variant.
Genome position (GRCh38, 1-based): chr17:43,059,470-43,059,472, ACA duplicated on the plus strand (TGT on the coding strand, the reverse complement: BRCA1 is on the minus strand); duplicating any 3 consecutive bases within chr17:43,059,470-43,059,515 gives the same sequence; the position shown is the placement nearest the transcript's 3' end. VCF-style (leftmost placement, unchanged base first): chr17-43059469-C-CACA. GRCh37 (hg19) VCF-style: chr17-41211486-C-CACA.
Other names: c.5194-2337_5194-2335dup (NM_007294.3); c.1741-2379TGT[16] (NM_001408458.1, NM_001408461.1, NM_001408464.1 and 7 more transcripts); c.4303-2379TGT[16] (NM_001407967.1); c.4813-2379TGT[16] (NM_001407959.1); c.4927-2379TGT[16] (NM_001407931.1, NM_001407932.1, NM_001407928.1 and 4 more transcripts); c.5050-2379TGT[16] (NM_001407747.1, NM_001407745.1, NM_001407737.1 and 21 more transcripts); c.4810-2379TGT[16] (NM_001407962.1, NM_001407960.1); c.1381-2379TGT[16] (NM_001408512.1); and 73 more.
Identifiers: ClinVar variation 264857 (VCV000264857.2), dbSNP rs746155740, ClinGen allele CA10588195.

ClinVar aggregate classification (germline): Benign (3 of 4 stars; one submission).

Conditions:
Breast-ovarian cancer, familial, susceptibility to, 1 (BROVCA1). Also called: BRCA1 Hereditary Breast and Ovarian Cancer; OVARIAN CANCER, SUSCEPTIBILITY TO. Identifiers: Orphanet 145, MedGen C2676676, MONDO:0011450, OMIM 604370. Disease mechanism: loss of function.

Submission:

Evidence-based Network for the Interpretation of Germline Mutant Alleles (ENIGMA)
Classification: Benign for Breast-ovarian cancer, familial, susceptibility to, 1. Last evaluated: 2016-09-28. Review status: reviewed by expert panel. Criteria: ENIGMA BRCA1/2 Classification Criteria (2015). Collection method: curation. Allele origin: germline.
Comment: Class 1 not pathogenic based on frequency >1% in an outbred sampleset. Frequency 0.2783 (European), 0.4523 (African), 0.2349 (Admixed American/Latino), 0.3393 (East Asian), 0.3681 (South Asian), derived from 1000 genomes (2013-05-02).